The following is an entry in ClinVar:

NM_025137.4(SPG11):c.*10T>C

Gene: SPG11 (SPG11 vesicle trafficking associated, spatacsin; minus strand). Cytogenetic location: 15q21.1.
Variant type: single nucleotide variant.
Coding change: c.*10T>C on transcript NM_025137.4 (MANE Select); 10 bases downstream of the stop codon, T replaced by C.
Molecular consequence: 3 prime UTR variant.
Genome position (GRCh38, 1-based): chr15:44,563,111, A>G on the plus strand (T>C on the coding strand, the complement: SPG11 is on the minus strand). VCF-style: chr15-44563111-A-G. GRCh37 (hg19) VCF-style: chr15-44855309-A-G.
Other names: c.*10T>C (NM_001160227.2, NM_001411132.1).
Identifiers: ClinVar variation 4986520 (VCV004986520.1).
Genomic context (GRCh38, chr15:44,563,111, plus strand): 5'-GCATTCTTCTTCTCATCACATCTGTCAGAATCTGCTAACAGTACAAGAAAACAGACACCT[A>G]TGAAATCATCTAACCTGCTAGCATGTCCTTTAGACAGCAACCTGTCTGAGGGTCCTTCAG-3'

ClinVar aggregate classification (germline): Likely benign (1 of 4 stars; one submission).

Conditions:
SPG11-related disorder. Also called: SPG11-related condition.

gnomAD v4.1: 23 of 1,613,616 alleles (0.0014%); highest among the groups gnomAD compares: East Asian, 0.031%; no homozygotes.

Submission:

PreventionGenetics, part of Exact Sciences
Classification: Likely benign for SPG11-related condition. Last evaluated: 2026-07-21. Review status: criteria provided, single submitter. Criteria: ACMG Guidelines, 2015. Collection method: clinical testing. Allele origin: germline.
Comment: This variant is classified as likely benign based on ACMG/AMP sequence variant interpretation guidelines (Richards et al. 2015 PMID: 25741868, with internal and published modifications).